The following is an entry in ClinVar:

ClinVar aggregate classification (germline): Conflicting classifications of pathogenicity. Review status: criteria provided, conflicting classifications (1 of 4 stars). 2 submissions from 2 submitters: Likely pathogenic (1); Uncertain significance (1). Last evaluated 2025-08-29.

Conditions:
Hereditary cancer-predisposing syndrome. Also called: Neoplastic Syndromes, Hereditary; Hereditary Cancer Syndrome; Hereditary neoplastic syndrome; Tumor predisposition. Identifiers: Orphanet 140162, MedGen C0027672, MeSH D009386, MONDO:0015356.
Cardiovascular phenotype. Identifiers: MedGen CN230736.
Neurofibromatosis, type 1 (NF1). Also called: Neurofibromatosis, type I; Peripheral type neurofibromatosis; VON RECKLINGHAUSEN DISEASE; NEUROFIBROMATOSIS, TYPE I, SOMATIC. Identifiers: Orphanet 636, MedGen C0027831, MONDO:0018975, OMIM 162200. Disease mechanism: loss of function.

Submissions (2):

Labcorp Genetics (formerly Invitae), Labcorp
Classification: Likely pathogenic for Neurofibromatosis, type 1. Last evaluated: 2025-08-29. Review status: criteria provided, single submitter. Criteria: Invitae Variant Classification Sherloc (09022015). Collection method: clinical testing. Allele origin: germline.
Comment: This sequence change replaces leucine, which is neutral and non-polar, with proline, which is neutral and non-polar, at codon 1935 of the NF1 protein (p.Leu1935Pro). This variant is not present in population databases (gnomAD no frequency). This missense change has been observed in individual(s) with neurofibromatosis type I (PMID: 23913538). ClinVar contains an entry for this variant (Variation ID: 825984). Invitae Evidence Modeling of protein sequence and biophysical properties (such as structural, functional, and spatial information, amino acid conservation, physicochemical variation, residue mobility, and thermodynamic stability) indicates that this missense variant is expected to disrupt NF1 protein function with a positive predictive value of 95%. Experimental studies are conflicting or provide insufficient evidence to determine the effect of this variant on NF1 function (PMID: 34694046). This variant disrupts the p.Leu1935 amino acid residue in NF1. Other variant(s) that disrupt this residue have been determined to be pathogenic (internal data). This suggests that this residue is clinically significant, and that variants that disrupt this residue are likely to be disease-causing. In summary, the currently available evidence indicates that the variant is pathogenic, but additional data are needed to prove that conclusively. Therefore, this variant has been classified as Likely Pathogenic.

Ambry Genetics
Classification: Uncertain significance for Cardiovascular phenotype; Hereditary cancer-predisposing syndrome. Last evaluated: 2019-07-10. Review status: criteria provided, single submitter. Criteria: Ambry Variant Classification Scheme 2023. Collection method: clinical testing. Allele origin: germline.
Comment: The p.L1935P variant (also known as c.5804T>C), located in coding exon 39 of the NF1 gene, results from a T to C substitution at nucleotide position 5804. The leucine at codon 1935 is replaced by proline, an amino acid with similar properties. This amino acid position is highly conserved in available vertebrate species. In addition, this alteration is predicted to be deleterious by in silico analysis. Since supporting evidence is limited at this time, the clinical significance of this alteration remains unclear.

Literature cited by the submitters: PubMed 23913538 (cited by Labcorp Genetics (formerly Invitae), Labcorp); PubMed 34694046 (cited by Labcorp Genetics (formerly Invitae), Labcorp).

NM_001042492.3(NF1):c.5867T>C (p.Leu1956Pro)

Gene: NF1 (neurofibromin 1; plus strand). Cytogenetic location: 17q11.2.
Variant type: single nucleotide variant.
Coding change: c.5867T>C on transcript NM_001042492.3 (MANE Select); coding-DNA position 5867, T replaced by C.
Protein change: p.Leu1956Pro; replaces leucine 1956 with proline.
Molecular consequence: missense variant.
Genome position (GRCh38, 1-based): chr17:31,334,892, T>C. VCF-style: chr17-31334892-T-C. GRCh37 (hg19) VCF-style: chr17-29661910-T-C.
Other names: c.5804T>C, p.Leu1935Pro (NM_000267.4); short protein forms L1956P, L1935P.
Identifiers: ClinVar variation 825984 (VCV000825984.5), dbSNP rs1597840087, ClinGen allele CA399010672.